The following is an entry in ClinVar:

NM_005562.3(LAMC2):c.2842del (p.Val948fs)

Gene: LAMC2 (laminin subunit gamma 2; plus strand). Cytogenetic location: 1q25.3.
Variant type: Deletion.
Coding change: c.2842del on transcript NM_005562.3 (MANE Select); coding-DNA position 2842, one base deleted (G; older notation c.2842delG).
Protein change: p.Val948fs; shifts the reading frame from valine 948.
Molecular consequence: frameshift variant.
Genome position (GRCh38, 1-based): chr1:183,238,394, G deleted. VCF-style (leftmost placement, unchanged base first): chr1-183238393-AG-A. GRCh37 (hg19) VCF-style: chr1-183207528-AG-A.
Other names: c.2842del, p.Val948fs (NM_018891.3); short protein forms V948fs.
Identifiers: ClinVar variation 2866587 (VCV002866587.3), dbSNP rs2526122417, ClinGen allele CA2649466642.

ClinVar aggregate classification (germline): Pathogenic (1 of 4 stars; one submission).

Allele frequency attached by ClinVar (database versions not stated): gnomAD exomes below 0.00001.

Submission:

Labcorp Genetics (formerly Invitae), Labcorp
Classification: Pathogenic. Last evaluated: 2023-05-21. Review status: criteria provided, single submitter. Criteria: Invitae Variant Classification Sherloc (09022015). Collection method: clinical testing. Allele origin: germline.
Comment: This sequence change creates a premature translational stop signal (p.Val948Leufs*26) in the LAMC2 gene. It is expected to result in an absent or disrupted protein product. Loss-of-function variants in LAMC2 are known to be pathogenic (PMID: 11907499, 16473856). This variant is not present in population databases (gnomAD no frequency). This variant has not been reported in the literature in individuals affected with LAMC2-related conditions. For these reasons, this variant has been classified as Pathogenic.

Literature cited by the submitters: PubMed 11907499; PubMed 16473856.